The following is an entry in ClinVar:

ClinVar aggregate classification (germline): Uncertain significance (1 of 4 stars; one submission).

Conditions:
Immunodeficiency. Identifiers: MedGen C0021051, MONDO:0021094, HP:0002721.

Submission:

Labcorp Genetics (formerly Invitae), Labcorp
Classification: Uncertain significance for Immunodeficiency. Last evaluated: 2021-04-05. Review status: criteria provided, single submitter. Criteria: Invitae Variant Classification Sherloc (09022015). Collection method: clinical testing. Allele origin: germline.
Comment: Algorithms developed to predict the effect of missense changes on protein structure and function (SIFT, PolyPhen-2, Align-GVGD) all suggest that this variant is likely to be disruptive, but these predictions have not been confirmed by published functional studies and their clinical significance is uncertain. In summary, the available evidence is currently insufficient to determine the role of this variant in disease. Therefore, it has been classified as a Variant of Uncertain Significance. This variant has not been reported in the literature in individuals with NFAT5-related conditions. This variant is not present in population databases (ExAC no frequency). This sequence change replaces serine with alanine at codon 114 of the NFAT5 protein (p.Ser114Ala). The serine residue is highly conserved and there is a moderate physicochemical difference between serine and alanine.

NM_138713.4(NFAT5):c.622T>G (p.Ser208Ala)

Gene: NFAT5 (nuclear factor of activated T cells 5; plus strand). Cytogenetic location: 16q22.1.
Variant type: single nucleotide variant.
Coding change: c.622T>G on transcript NM_138713.4 (MANE Select); coding-DNA position 622, T replaced by G.
Protein change: p.Ser208Ala; replaces serine 208 with alanine.
Molecular consequence: missense variant. On other transcripts: intron variant (1).
Genome position (GRCh38, 1-based): chr16:69,647,396, T>G. VCF-style: chr16-69647396-T-G. GRCh37 (hg19) VCF-style: chr16-69681299-T-G.
Other names: c.622T>G, p.Ser208Ala (NM_001113178.3); c.568T>G, p.Ser190Ala (NM_006599.4); c.340T>G, p.Ser114Ala (NM_138714.4, NM_173214.3, NM_173215.3); c.140+229T>G (NM_001367709.1); short protein forms S208A, S190A, S114A.
Identifiers: ClinVar variation 1489937 (VCV001489937.8), dbSNP rs2151622067, ClinGen allele CA396485876.
Genomic context (GRCh38, chr16:69,647,396, plus strand): 5'-CAGAGCTGCAGTATGTGGATGGAGGATTCCCCCTCCAACTTCAGTAACATGAGCACCAGT[T>G]CCTACAATGATAACACTGAGGTACCTCGTAAATCACGAAAACGAAATCCAAAGCAGAGGC-3'
Protein context (NP_619727.2, residues 198-218): PSNFSNMSTS[Ser208Ala]YNDNTEVPRK